The following is an entry in ClinVar:

NM_173560.4(RFX6):c.224-12A>G

Gene: RFX6 (regulatory factor X6; plus strand). Cytogenetic location: 6q22.1.
Variant type: single nucleotide variant.
Coding change: c.224-12A>G on transcript NM_173560.4 (MANE Select); 12 bases into the intron before coding-DNA position 224, A replaced by G.
Molecular consequence: intron variant.
Genome position (GRCh38, 1-based): chr6:116,877,784, A>G. VCF-style: chr6-116877784-A-G. GRCh37 (hg19) VCF-style: chr6-117198947-A-G.
Other names: IVS1AS, A-G, -12.
Identifiers: ClinVar variation 497 (VCV000000497.2), dbSNP rs587776515, ClinGen allele CA114331.

ClinVar aggregate classification (germline): Pathogenic. Review status: no assertion criteria provided (0 of 4 stars). 2 submissions from 2 submitters: Pathogenic (2). Last evaluated 2010-02-11.

Conditions:
Diabetes mellitus. Also called: Diabetes mellitus (disease). Identifiers: MedGen C0011849, MONDO:0005015, HP:0000819.
Hypoplastic pancreas-intestinal atresia-hypoplastic gallbalder syndrome. Also called: DIABETES, NEONATAL, WITH PANCREATIC HYPOPLASIA, INTESTINAL ATRESIA, AND GALLBLADDER APLASIA OR HYPOPLASIA; Mitchell-Riley syndrome. Identifiers: Orphanet 293864, MedGen C2748662, MONDO:0017400, OMIM 615710.

Allele frequency attached by ClinVar (database versions not stated): gnomAD exomes below 0.00001 and 0.00001.
gnomAD v4.1: 8 of 1,613,800 alleles (0.0005%); highest among the groups gnomAD compares: Non-Finnish European, 0.00068%; no homozygotes.

Submissions (2):

OMIM
Classification: Pathogenic for MITCHELL-RILEY SYNDROME. Last evaluated: 2010-02-11. Review status: no assertion criteria provided. Collection method: literature only. Allele origin: germline.

Constantin Polychronakos Laboratory, The Research Institute of the McGill University Health Centre
Classification: Pathogenic for Diabetes mellitus. Review status: no assertion criteria provided. Collection method: research. Allele origin: paternal, germline. Inheritance: Autosomal dominant inheritance. Affected: yes. Study: T1DGC.
Comment: PVS1 PS1

Literature cited by the submitters: PubMed 15592663 (cited by OMIM); PubMed 20148032 (cited by OMIM).